The following is an entry in ClinVar:

ClinVar aggregate classification (germline): Uncertain significance. Review status: criteria provided, multiple submitters, no conflicts (2 of 4 stars). 2 submissions from 2 submitters: Uncertain significance (2). Last evaluated 2024-08-13.

Submissions (2):

GeneDx
Classification: Uncertain significance. Last evaluated: 2024-08-13. Review status: criteria provided, single submitter. Criteria: GeneDx Variant Classification Process June 2021. Collection method: clinical testing. Allele origin: germline. Affected: yes.
Comment: Not observed at significant frequency in large population cohorts (gnomAD); In silico analysis supports that this missense variant has a deleterious effect on protein structure/function; Has not been previously published as pathogenic or benign to our knowledge

Labcorp Genetics (formerly Invitae), Labcorp
Classification: Uncertain significance. Last evaluated: 2022-03-09. Review status: criteria provided, single submitter. Criteria: Invitae Variant Classification Sherloc (09022015). Collection method: clinical testing. Allele origin: germline.
Comment: This variant is not present in population databases (gnomAD no frequency). This sequence change replaces lysine, which is basic and polar, with asparagine, which is neutral and polar, at codon 157 of the GRIA3 protein (p.Lys157Asn). This variant has not been reported in the literature in individuals affected with GRIA3-related conditions. Advanced modeling of protein sequence and biophysical properties (such as structural, functional, and spatial information, amino acid conservation, physicochemical variation, residue mobility, and thermodynamic stability) performed at Invitae indicates that this missense variant is expected to disrupt GRIA3 protein function. In summary, the available evidence is currently insufficient to determine the role of this variant in disease. Therefore, it has been classified as a Variant of Uncertain Significance.

NM_007325.5(GRIA3):c.471G>C (p.Lys157Asn)

Gene: GRIA3 (glutamate ionotropic receptor AMPA type subunit 3; plus strand). Cytogenetic location: Xq25.
Variant type: single nucleotide variant.
Coding change: c.471G>C on transcript NM_007325.5 (MANE Select); coding-DNA position 471, G replaced by C.
Protein change: p.Lys157Asn; replaces lysine 157 with asparagine.
Molecular consequence: missense variant.
Genome position (GRCh38, 1-based): chrX:123,253,505, G>C. VCF-style: chrX-123253505-G-C. GRCh37 (hg19) VCF-style: chrX-122387356-G-C.
Other names: c.471G>C, p.Lys157Asn (NM_000828.5); c.471G>C (NM_000828.4); short protein forms K157N.
Identifiers: ClinVar variation 1484961 (VCV001484961.7), dbSNP rs1182591148, ClinGen allele CA414260869.